The following is an entry in ClinVar:

NM_004260.4(RECQL4):c.384G>T (p.Trp128Cys)

Gene: RECQL4 (RecQ like helicase 4; minus strand). Cytogenetic location: 8q24.3.
Variant type: single nucleotide variant.
Coding change: c.384G>T on transcript NM_004260.4 (MANE Select); coding-DNA position 384, G replaced by T.
Protein change: p.Trp128Cys; replaces tryptophan 128 with cysteine.
Molecular consequence: missense variant.
Genome position (GRCh38, 1-based): chr8:144,516,735, C>A on the plus strand (G>T on the coding strand, the complement: RECQL4 is on the minus strand). VCF-style: chr8-144516735-C-A. GRCh37 (hg19) VCF-style: chr8-145742119-C-A.
Other names: short protein forms W128C.
Identifiers: ClinVar variation 948114 (VCV000948114.6), dbSNP rs1335967859, ClinGen allele CA372691676.

ClinVar aggregate classification (germline): Uncertain significance. Review status: criteria provided, multiple submitters, no conflicts (2 of 4 stars). 2 submissions from 2 submitters: Uncertain significance (2). Last evaluated 2025-07-12.

Conditions:
Inborn genetic diseases. Identifiers: MedGen C0950123, MeSH D030342.
Baller-Gerold syndrome (BGS). Also called: CRANIOSYNOSTOSIS WITH RADIAL DEFECTS. Identifiers: Orphanet 1225, MedGen C0265308, MONDO:0009039, OMIM 218600.

Submissions (2):

Ambry Genetics
Classification: Uncertain significance for Inborn genetic diseases. Last evaluated: 2025-07-12. Review status: criteria provided, single submitter. Criteria: Ambry Variant Classification Scheme 2023. Collection method: clinical testing. Allele origin: germline.
Comment: The p.W128C variant (also known as c.384G>T), located in coding exon 5 of the RECQL4 gene, results from a G to T substitution at nucleotide position 384. The tryptophan at codon 128 is replaced by cysteine, an amino acid with highly dissimilar properties. This amino acid position is conserved. In addition, this alteration is predicted to be tolerated by in silico analysis. Based on the available evidence, the clinical significance of this variant remains unclear.

Labcorp Genetics (formerly Invitae), Labcorp
Classification: Uncertain significance for Baller-Gerold syndrome. Last evaluated: 2023-05-11. Review status: criteria provided, single submitter. Criteria: Invitae Variant Classification Sherloc (09022015). Collection method: clinical testing. Allele origin: germline.
Comment: This sequence change replaces tryptophan, which is neutral and slightly polar, with cysteine, which is neutral and slightly polar, at codon 128 of the RECQL4 protein (p.Trp128Cys). This variant is not present in population databases (gnomAD no frequency). This variant has not been reported in the literature in individuals affected with RECQL4-related conditions. ClinVar contains an entry for this variant (Variation ID: 948114). Advanced modeling of protein sequence and biophysical properties (such as structural, functional, and spatial information, amino acid conservation, physicochemical variation, residue mobility, and thermodynamic stability) performed at Invitae indicates that this missense variant is not expected to disrupt RECQL4 protein function. In summary, the available evidence is currently insufficient to determine the role of this variant in disease. Therefore, it has been classified as a Variant of Uncertain Significance.